The following is an entry in ClinVar:

NM_001267550.2(TTN):c.66885G>A (p.Trp22295Ter)

Genes: TTN (titin; minus strand), TTN-AS1 (TTN antisense RNA 1; plus strand). Cytogenetic location: 2q31.2.
Variant type: single nucleotide variant.
Coding change: c.66885G>A on transcript NM_001267550.2 (MANE Select); coding-DNA position 66885, G replaced by A.
Protein change: p.Trp22295Ter; replaces tryptophan 22295 with a stop codon.
Molecular consequence: nonsense.
Genome position (GRCh38, 1-based): chr2:178,580,494, C>T on the plus strand (G>A on the coding strand, the complement: TTN is on the minus strand). VCF-style: chr2-178580494-C-T. GRCh37 (hg19) VCF-style: chr2-179445221-C-T.
Other names: c.61962G>A, p.Trp20654Ter (NM_001256850.1); c.39690G>A, p.Trp13230Ter (NM_003319.4); c.59181G>A, p.Trp19727Ter (NM_133378.4); c.40065G>A, p.Trp13355Ter (NM_133432.3); c.40266G>A, p.Trp13422Ter (NM_133437.4); short protein forms W13355*, W13230*, W13422*, W19727*, W20654*, W22295*.
Identifiers: ClinVar variation 2102839 (VCV002102839.4), dbSNP rs1202934929, ClinGen allele CA349425571.

ClinVar aggregate classification (germline): Likely pathogenic (1 of 4 stars; one submission).

Conditions:
Dilated cardiomyopathy 1G (CMD1G). Identifiers: Orphanet 154, MedGen C1858763, MONDO:0011400, OMIM 604145.
Autosomal recessive limb-girdle muscular dystrophy type 2J (LGMDR10). Also called: Limb-girdle muscular dystrophy, type 2J; MUSCULAR DYSTROPHY, LIMB-GIRDLE, AUTOSOMAL RECESSIVE 10. Identifiers: Orphanet 140922, MedGen C1837342, MONDO:0012127, OMIM 608807.

Submission:

Labcorp Genetics (formerly Invitae), Labcorp
Classification: Likely pathogenic for Dilated cardiomyopathy 1G; Autosomal recessive limb-girdle muscular dystrophy type 2J. Last evaluated: 2022-02-24. Review status: criteria provided, single submitter. Criteria: Invitae Variant Classification Sherloc (09022015). Collection method: clinical testing. Allele origin: germline.
Comment: This variant is also known as p.Trp20654X. This sequence change creates a premature translational stop signal (p.Trp22295*) in the TTN gene. While this is not anticipated to result in nonsense mediated decay, it is expected to create a truncated TTN protein. This variant is not present in population databases (gnomAD no frequency). This premature translational stop signal has been observed in individual(s) with left ventricular noncompaction (PMID: 30471092, 34088380). This variant is located in the A band of TTN (PMID: 25589632). Truncating variants in this region are significantly overrepresented in patients affected with dilated cardiomyopathy (PMID: 25589632). Truncating variants in this region have also been reported in individuals affected with autosomal recessive centronuclear myopathy (PMID: 23975875). In summary, the currently available evidence indicates that the variant is pathogenic, but additional data are needed to prove that conclusively. Therefore, this variant has been classified as Likely Pathogenic.

Literature cited by the submitters: PubMed 30471092; PubMed 34088380; PubMed 25589632; PubMed 23975875.